The following is an entry in ClinVar:

ClinVar aggregate classification (germline): Uncertain significance (1 of 4 stars; one submission).

Conditions:
Hypertrophic cardiomyopathy. Also called: HYPERTROPHIC MYOCARDIOPATHY. Identifiers: Orphanet 217569, MedGen C0007194, MeSH D002312, MONDO:0005045, HP:0001639.

Allele frequency attached by ClinVar (database versions not stated): gnomAD exomes below 0.00001; ExAC 0.00002; gnomAD 0.00002; TOPMed 0.00002; ESP Exome Variant Server 0.00017.
gnomAD v4.1: 4 of 1,613,564 alleles (0.00025%); highest among the groups gnomAD compares: African/African-American, 0.004%; no homozygotes.

Submission:

Labcorp Genetics (formerly Invitae), Labcorp
Classification: Uncertain significance for Hypertrophic cardiomyopathy. Last evaluated: 2024-09-29. Review status: criteria provided, single submitter. Criteria: Invitae Variant Classification Sherloc (09022015). Collection method: clinical testing. Allele origin: germline.
Comment: This sequence change affects codon 1549 of the MYOM1 mRNA. It is a 'silent' change, meaning that it does not change the encoded amino acid sequence of the MYOM1 protein. It affects a nucleotide within the consensus splice site. This variant is present in population databases (rs201641515, gnomAD 0.008%). This variant has not been reported in the literature in individuals affected with MYOM1-related conditions. ClinVar contains an entry for this variant (Variation ID: 1986840). Algorithms developed to predict the effect of sequence changes on RNA splicing suggest that this variant is not likely to affect RNA splicing. In summary, the available evidence is currently insufficient to determine the role of this variant in disease. Therefore, it has been classified as a Variant of Uncertain Significance.

NM_003803.4(MYOM1):c.4647A>G (p.Gln1549=)

Gene: MYOM1 (myomesin 1; minus strand). Cytogenetic location: 18p11.31.
Variant type: single nucleotide variant.
Coding change: c.4647A>G on transcript NM_003803.4 (MANE Select); coding-DNA position 4647, A replaced by G.
Protein change: p.Gln1549=; no amino-acid change (glutamine 1549 retained).
Molecular consequence: synonymous variant.
Genome position (GRCh38, 1-based): chr18:3,079,180, T>C on the plus strand (A>G on the coding strand, the complement: MYOM1 is on the minus strand). VCF-style: chr18-3079180-T-C. GRCh37 (hg19) VCF-style: chr18-3079178-T-C.
Other names: c.4359A>G, p.Gln1453= (NM_019856.2).
Identifiers: ClinVar variation 1986840 (VCV001986840.4), dbSNP rs201641515, ClinGen allele CA8873891.
Genomic context (GRCh38, chr18:3,079,180, plus strand): 5'-TTCCTTTTAAAAGGCTCATTCATCTAGAGTAAATTTGAATCTGCAAAATATCTGTTTACC[T>C]TGTCCAGAGAGATCCACTGTCTTCTGATGTCCAGTTTTGCCATCAAAGAGCTCCATGACA-3'
Protein context (NP_003794.3, residues 1539-1559): GHQKTVDLSG[Gln1549=]AYDEAYAEFQ